The following is an entry in ClinVar:

ClinVar aggregate classification (germline): Uncertain significance (1 of 4 stars; one submission).

Submission:

Labcorp Genetics (formerly Invitae), Labcorp
Classification: Uncertain significance. Last evaluated: 2025-09-15. Review status: criteria provided, single submitter. Criteria: Invitae Variant Classification Sherloc (09022015). Collection method: clinical testing. Allele origin: germline.
Comment: This variant, c.461_463dup, results in the insertion of 1 amino acid(s) of the GAS1 protein (p.Gly154dup), but otherwise preserves the integrity of the reading frame. This variant is present in population databases (rs529361078, gnomAD 0.02%). This variant has not been reported in the literature in individuals affected with GAS1-related conditions. In summary, the available evidence is currently insufficient to determine the role of this variant in disease. Therefore, it has been classified as a Variant of Uncertain Significance.

NM_002048.3(GAS1):c.452GCG[5] (p.Gly154_Ala155insGly)

Gene: GAS1 (growth arrest specific 1; minus strand). Cytogenetic location: 9q21.33.
Variant type: Microsatellite.
Coding change: c.452GCG[5] on transcript NM_002048.3 (MANE Select); five copies in a row of the 3-base unit GCG starting at c.452; the reference has four copies in a row; one copy, 3 bases duplicated.
Protein change: p.Gly154_Ala155insGly.
Molecular consequence: inframe insertion.
Genome position (GRCh38, 1-based): chr9:86,946,317-86,946,319, CGC duplicated on the plus strand (GCG on the coding strand, the reverse complement: GAS1 is on the minus strand); duplicating any 3 consecutive bases within chr9:86,946,317-86,946,328 gives the same sequence; the position shown is the placement nearest the transcript's 3' end. VCF-style (leftmost placement, unchanged base first): chr9-86946316-G-GCGC. GRCh37 (hg19) VCF-style: chr9-89561231-G-GCGC.
Identifiers: ClinVar variation 2713971 (VCV002713971.3), dbSNP rs529361078, ClinGen allele CA196114752.